The following is an entry in ClinVar:

ClinVar aggregate classification (germline): Uncertain significance (1 of 4 stars; one submission).

Submission:

Ambry Genetics
Classification: Uncertain significance. Last evaluated: 2022-01-21. Review status: criteria provided, single submitter. Criteria: Ambry Variant Classification Scheme 2023. Collection method: clinical testing. Allele origin: germline.
Comment: The p.W863C variant (also known as c.2589G>C), located in coding exon 16 of the POLQ gene, results from a G to C substitution at nucleotide position 2589. The tryptophan at codon 863 is replaced by cysteine, an amino acid with highly dissimilar properties. This amino acid position is conserved. In addition, the in silico prediction for this alteration is inconclusive. Since supporting evidence is limited at this time, the clinical significance of this alteration remains unclear.

NM_199420.4(POLQ):c.2589G>C (p.Trp863Cys)

Gene: POLQ (DNA polymerase theta; minus strand). Cytogenetic location: 3q13.33.
Variant type: single nucleotide variant.
Coding change: c.2589G>C on transcript NM_199420.4 (MANE Select); coding-DNA position 2589, G replaced by C.
Protein change: p.Trp863Cys; replaces tryptophan 863 with cysteine.
Molecular consequence: missense variant.
Genome position (GRCh38, 1-based): chr3:121,490,342, C>G on the plus strand (G>C on the coding strand, the complement: POLQ is on the minus strand). VCF-style: chr3-121490342-C-G. GRCh37 (hg19) VCF-style: chr3-121209189-C-G.
Other names: short protein forms W863C.
Identifiers: ClinVar variation 1793459 (VCV001793459.2), dbSNP rs1416374681, ClinGen allele CA354105741.